The following is an entry in ClinVar:

ClinVar aggregate classification (germline): Uncertain significance. Review status: criteria provided, multiple submitters, no conflicts (2 of 4 stars). 2 submissions from 2 submitters: Uncertain significance (2). Last evaluated 2023-06-20.

Allele frequency attached by ClinVar (database versions not stated): gnomAD exomes below 0.00001 and 0.00001; TOPMed below 0.00001; gnomAD 0.00001.
gnomAD v4.1: 8 of 1,612,878 alleles (0.0005%); highest among the groups gnomAD compares: Non-Finnish European, 0.00068%; no homozygotes.

Submissions (2):

Labcorp Genetics (formerly Invitae), Labcorp
Classification: Uncertain significance. Last evaluated: 2023-06-20. Review status: criteria provided, single submitter. Criteria: Invitae Variant Classification Sherloc (09022015). Collection method: clinical testing. Allele origin: germline.
Comment: In summary, the available evidence is currently insufficient to determine the role of this variant in disease. Therefore, it has been classified as a Variant of Uncertain Significance. Algorithms developed to predict the effect of sequence changes on RNA splicing suggest that this variant may create or strengthen a splice site. An algorithm developed to predict the effect of missense changes on protein structure and function (PolyPhen-2) suggests that this variant is likely to be disruptive. ClinVar contains an entry for this variant (Variation ID: 1678051). This variant has not been reported in the literature in individuals affected with CFB-related conditions. This variant is present in population databases (no rsID available, gnomAD 0.0009%). This sequence change replaces glycine, which is neutral and non-polar, with arginine, which is basic and polar, at codon 543 of the CFB protein (p.Gly543Arg).

AiLife Diagnostics
Classification: Uncertain significance. Last evaluated: 2022-03-16. Review status: criteria provided, single submitter. Criteria: ACMG Guidelines, 2015. Collection method: clinical testing. Allele origin: germline. Affected: yes. Observed: 1 variant allele.

NM_001710.6(CFB):c.1627G>A (p.Gly543Arg)

Gene: CFB (complement factor B; plus strand). Cytogenetic location: 6p21.33.
Variant type: single nucleotide variant.
Coding change: c.1627G>A on transcript NM_001710.6 (MANE Select); coding-DNA position 1627, G replaced by A.
Protein change: p.Gly543Arg; replaces glycine 543 with arginine.
Molecular consequence: missense variant.
Genome position (GRCh38, 1-based): chr6:31,950,621, G>A. VCF-style: chr6-31950621-G-A. GRCh37 (hg19) VCF-style: chr6-31918398-G-A.
Other names: short protein forms G543R.
Identifiers: ClinVar variation 1678051 (VCV001678051.4), dbSNP rs1366389145, ClinGen allele CA363408553.